The following is an entry in ClinVar:

ClinVar aggregate classification (germline): Uncertain significance (1 of 4 stars; one submission).

Conditions:
Combined immunodeficiency due to MALT1 deficiency. Also called: Immunodeficiency 12. Identifiers: Orphanet 397964, MedGen C3809583, MONDO:0014197, OMIM 615468.

Submission:

Labcorp Genetics (formerly Invitae), Labcorp
Classification: Uncertain significance for Combined immunodeficiency due to MALT1 deficiency. Last evaluated: 2022-08-16. Review status: criteria provided, single submitter. Criteria: Invitae Variant Classification Sherloc (09022015). Collection method: clinical testing. Allele origin: germline.
Comment: In summary, the available evidence is currently insufficient to determine the role of this variant in disease. Therefore, it has been classified as a Variant of Uncertain Significance. Algorithms developed to predict the effect of missense changes on protein structure and function output the following: SIFT: "Tolerated"; PolyPhen-2: "Benign"; Align-GVGD: "Class C0". The asparagine amino acid residue is found in multiple mammalian species, which suggests that this missense change does not adversely affect protein function. This variant has not been reported in the literature in individuals affected with MALT1-related conditions. This variant is not present in population databases (gnomAD no frequency). This sequence change replaces serine, which is neutral and polar, with asparagine, which is neutral and polar, at codon 776 of the MALT1 protein (p.Ser776Asn).

NM_006785.4(MALT1):c.2327G>A (p.Ser776Asn)

Gene: MALT1 (MALT1 paracaspase; plus strand). Cytogenetic location: 18q21.32.
Variant type: single nucleotide variant.
Coding change: c.2327G>A on transcript NM_006785.4 (MANE Select); coding-DNA position 2327, G replaced by A.
Protein change: p.Ser776Asn; replaces serine 776 with asparagine.
Molecular consequence: missense variant.
Genome position (GRCh38, 1-based): chr18:58,747,694, G>A. VCF-style: chr18-58747694-G-A. GRCh37 (hg19) VCF-style: chr18-56414926-G-A.
Other names: c.2294G>A, p.Ser765Asn (NM_173844.3); short protein forms S765N, S776N.
Identifiers: ClinVar variation 2030423 (VCV002030423.4), dbSNP rs760481063, ClinGen allele CA402577131.